The following is an entry in ClinVar:

ClinVar aggregate classification (germline): Likely pathogenic (1 of 4 stars; one submission).

Submissions (3):

Labcorp Genetics (formerly Invitae), Labcorp
Classification: Likely pathogenic. Last evaluated: 2021-02-28. Review status: criteria provided, single submitter. Criteria: Invitae Variant Classification Sherloc (09022015). Collection method: clinical testing. Allele origin: germline.
Comment: This sequence change affects an acceptor splice site in intron 6 of the DDX3X gene. It is expected to disrupt RNA splicing. Variants that disrupt the donor or acceptor splice site typically lead to a loss of protein function (PMID: 16199547), and loss-of-function variants in DDX3X are known to be pathogenic (PMID: 26235985). This variant is not present in population databases (ExAC no frequency). This variant has not been reported in the literature in individuals with DDX3X-related conditions. In summary, the currently available evidence indicates that the variant is pathogenic, but additional data are needed to prove that conclusively. Therefore, this variant has been classified as Likely Pathogenic.

Dr. Peter K. Rogan Lab, Western University
No classification provided (evidence only). Condition: Thyroid cancer, nonmedullary, 1. Review status: no classification provided. Collection method: in vitro. Allele origin: not applicable. Functional consequence: skipped exon. Not counted in ClinVar's aggregate classification.

Dr. Peter K. Rogan Lab, Western University
No classification provided (evidence only). Condition: Nonpapillary renal cell carcinoma. Review status: no classification provided. Collection method: in vitro. Allele origin: not applicable. Functional consequence: skipped exon. Not counted in ClinVar's aggregate classification.

Literature cited by the submitters: PubMed 16199547 (cited by Labcorp Genetics (formerly Invitae), Labcorp); PubMed 26235985 (cited by Labcorp Genetics (formerly Invitae), Labcorp).

NM_001356.5(DDX3X):c.544-2A>G

Gene: DDX3X (DEAD-box helicase 3 X-linked; plus strand). Cytogenetic location: Xp11.4.
Variant type: single nucleotide variant.
Coding change: c.544-2A>G on transcript NM_001356.5 (MANE Select); the canonical splice acceptor site of the intron before coding-DNA position 544, A replaced by G.
Molecular consequence: splice acceptor variant.
Genome position (GRCh38, 1-based): chrX:41,343,214, A>G. VCF-style: chrX-41343214-A-G. GRCh37 (hg19) VCF-style: chrX-41202467-A-G.
Other names: c.544-2A>G (NM_001193416.3); c.496-2A>G (NM_001193417.3); c.-15-2A>G (NM_001363819.1).
Identifiers: ClinVar variation 1523695 (VCV001523695.7), dbSNP rs2147351698, ClinGen allele CA412767609.